The following is an entry in ClinVar:

ClinVar aggregate classification (germline): Pathogenic/Likely pathogenic. Review status: criteria provided, multiple submitters, no conflicts (2 of 4 stars). 2 submissions from 2 submitters: Pathogenic (1); Likely pathogenic (1). Last evaluated 2019-07-24.

Conditions:
Maturity-onset diabetes of the young (MODY). Also called: Maturity onset diabetes mellitus in young. Identifiers: Orphanet 552, MedGen C0342276, MONDO:0018911, HP:0004904.

Submissions (2):

Athena Diagnostics
Classification: Pathogenic. Last evaluated: 2019-07-24. Review status: criteria provided, single submitter. Criteria: Athena Diagnostics Criteria. Collection method: clinical testing. Allele origin: germline.
Comment: The variant disrupts a canonical splice site, and is therefore predicted to result in the loss of a functional protein. Found in at least one symptomatic patient, and not found in general population data.

Clinical Genomics, Uppaluri K&H Personalized Medicine Clinic
Classification: Likely pathogenic for Maturity-onset diabetes of the young. Review status: criteria provided, single submitter. Criteria: K & H Uppaluri Personalized Medicine Clinic Variant Classification & Assertion Criteria_Updated V.1. Collection method: research. Allele origin: unknown. Inheritance: Autosomal dominant inheritance.
Comment: Potent mutations in HNF4A are associated with poor insulin secretion in response to hyperglycemia. Associated with MODY1. Patients initially respond well to sulfonylureas but eventually become insulin dependent. However, more evidence is required to ascertain the role of this particular variant rs1600710669 in MODY, yet.

Literature cited by the submitters: DOI 10.1159/000334532 (cited by Clinical Genomics, Uppaluri K&H Personalized Medicine Clinic); PubMed 18268044 (cited by Clinical Genomics, Uppaluri K&H Personalized Medicine Clinic); PubMed 17563455 (cited by Clinical Genomics, Uppaluri K&H Personalized Medicine Clinic); PubMed 32583173 (cited by Clinical Genomics, Uppaluri K&H Personalized Medicine Clinic); PubMed 35052457 (cited by Clinical Genomics, Uppaluri K&H Personalized Medicine Clinic); PubMed 35118593 (cited by Clinical Genomics, Uppaluri K&H Personalized Medicine Clinic).

NM_175914.5(HNF4A):c.319+2T>C

Gene: HNF4A (hepatocyte nuclear factor 4 alpha; plus strand). Cytogenetic location: 20q13.12.
Variant type: single nucleotide variant.
Coding change: c.319+2T>C on transcript NM_175914.5 (MANE Select); the canonical splice donor site of the intron after coding-DNA position 319, T replaced by C.
Molecular consequence: splice donor variant.
Genome position (GRCh38, 1-based): chr20:44,407,477, T>C. VCF-style: chr20-44407477-T-C. GRCh37 (hg19) VCF-style: chr20-43036117-T-C.
Other names: c.310+2T>C (NM_001287182.2, NM_001287183.2, NM_001287184.2); c.319+2T>C (NM_001030003.3, NM_001030004.3); c.364+2T>C (NM_001258355.2); c.385+2T>C (NM_178849.3, NM_000457.6, NM_178850.3).
Identifiers: ClinVar variation 804914 (VCV000804914.2), dbSNP rs1600710669, ClinGen allele CA409104449.